The following is an entry in ClinVar:

ClinVar aggregate classification (germline): Uncertain significance (1 of 4 stars; one submission).

Conditions:
Ehlers-Danlos syndrome, dermatosparaxis type. Also called: Ehlers-Danlos syndrome, type VII, autosomal recessive; Dermatosparaxis; EDS VIIC. Identifiers: Orphanet 1901, MedGen C2700425, MONDO:0009161, OMIM 225410.

Submission:

Myriad Genetics, Inc.
Classification: Uncertain significance for Ehlers-Danlos syndrome, dermatosparaxis type. Last evaluated: 2026-04-10. Review status: criteria provided, single submitter. Criteria: Myriad Autosomal Dominant, Autosomal Recessive and X-Linked Classification Criteria (2023). Collection method: clinical testing. Allele origin: unknown.
Comment: NM_014244.4(ADAMTS2):c.3526_3529delCCACinsTCAT(P1176_P1177delinsSS) is a missense variant classified as a variant of uncertain significance in the context of Ehlers-Danlos syndrome, ADAMTS2-related. P1176_P1177delinsSS has not been observed in cases with relevant disease. Relevant functional assessments of this variant are not available in the literature. P1176_P1177delinsSS has not been observed in referenced population frequency databases. In summary, there is insufficient evidence to classify NM_014244.4(ADAMTS2):c.3526_3529delCCACinsTCAT(P1176_P1177delinsSS) as pathogenic or benign. Please note: this variant was assessed in the context of healthy population screening.

NM_014244.5(ADAMTS2):c.3526_3529delinsTCAT (p.Pro1176_Pro1177delinsSerSer)

Gene: ADAMTS2 (ADAM metallopeptidase with thrombospondin type 1 motif 2; minus strand). Cytogenetic location: 5q35.3.
Variant type: Indel.
Coding change: c.3526_3529delinsTCAT on transcript NM_014244.5 (MANE Select); coding-DNA positions 3526 to 3529, CCAC replaced by TCAT.
Protein change: p.Pro1176_Pro1177delinsSerSer.
Molecular consequence: missense variant.
Genome position (GRCh38, 1-based): chr5:179,113,974-179,113,977, GTGG replaced by ATGA on the plus strand (CCAC replaced by TCAT on the coding strand, the reverse complement: ADAMTS2 is on the minus strand). VCF-style: chr5-179113974-GTGG-ATGA. GRCh37 (hg19) VCF-style: chr5-178540975-GTGG-ATGA.
Identifiers: ClinVar variation 5003431 (VCV005003431.1).